The following is an entry in ClinVar:

NM_004260.4(RECQL4):c.2342C>G (p.Pro781Arg)

Gene: RECQL4 (RecQ like helicase 4; minus strand). Cytogenetic location: 8q24.3.
Variant type: single nucleotide variant.
Coding change: c.2342C>G on transcript NM_004260.4 (MANE Select); coding-DNA position 2342, C replaced by G.
Protein change: p.Pro781Arg; replaces proline 781 with arginine.
Molecular consequence: missense variant. On other transcripts: non-coding transcript variant (3), intron variant (3).
Genome position (GRCh38, 1-based): chr8:144,513,339, G>C on the plus strand (C>G on the coding strand, the complement: RECQL4 is on the minus strand). VCF-style: chr8-144513339-G-C. GRCh37 (hg19) VCF-style: chr8-145738722-G-C.
Other names: c.2342C>G, p.Pro781Arg (NM_001413019.1, NM_001413036.1); c.1073C>G, p.Pro358Arg (NM_001413031.1); c.1205C>G, p.Pro402Arg (NM_001413032.1, NM_001413027.1, NM_001413030.1 and 1 more transcripts); c.2210C>G, p.Pro737Arg (NM_001413033.1); c.1271C>G, p.Pro424Arg (NM_001413034.1, NM_001413035.1, NM_001413040.1 and 5 more transcripts); c.1139C>G, p.Pro380Arg (NM_001413037.1); c.2312C>G, p.Pro771Arg (NM_001413039.1); c.2246C>G, p.Pro749Arg (NM_001413020.1); and 7 more; short protein forms P380R, P664R, P771R, P292R, P737R, P738R, P781R, P358R.
Identifiers: ClinVar variation 3005408 (VCV003005408.3), dbSNP rs2130678317, ClinGen allele CA372678314.
Genomic context (GRCh38, chr8:144,513,339, plus strand): 5'-GCCTGCACGTAGCTCTCGAAGCTTGGGGGCAGCCCCAGATGCAGCACAGCCCGCACATCT[G>C]GCCGGTCCAGCCCCATCCCAAAGGCCACCGTGGCCACCACCACCCGCAACTGGCCCTGCA-3'
Protein context (NP_004251.4, residues 771-791): TVAFGMGLDR[Pro781Arg]DVRAVLHLGL

ClinVar aggregate classification (germline): Uncertain significance (1 of 4 stars; one submission).

Conditions:
Baller-Gerold syndrome (BGS). Also called: CRANIOSYNOSTOSIS WITH RADIAL DEFECTS. Identifiers: Orphanet 1225, MedGen C0265308, MONDO:0009039, OMIM 218600.

Submission:

Labcorp Genetics (formerly Invitae), Labcorp
Classification: Uncertain significance for Baller-Gerold syndrome. Last evaluated: 2022-11-28. Review status: criteria provided, single submitter. Criteria: Invitae Variant Classification Sherloc (09022015). Collection method: clinical testing. Allele origin: germline.
Comment: This variant has not been reported in the literature in individuals affected with RECQL4-related conditions. This variant is not present in population databases (gnomAD no frequency). This sequence change replaces proline, which is neutral and non-polar, with arginine, which is basic and polar, at codon 781 of the RECQL4 protein (p.Pro781Arg). In summary, the available evidence is currently insufficient to determine the role of this variant in disease. Therefore, it has been classified as a Variant of Uncertain Significance. Advanced modeling of protein sequence and biophysical properties (such as structural, functional, and spatial information, amino acid conservation, physicochemical variation, residue mobility, and thermodynamic stability) performed at Invitae indicates that this missense variant is expected to disrupt RECQL4 protein function.